The following is an entry in ClinVar:

ClinVar aggregate classification (germline): Uncertain significance (1 of 4 stars; one submission).

Conditions:
Hereditary cancer-predisposing syndrome. Also called: Neoplastic Syndromes, Hereditary; Hereditary Cancer Syndrome; Tumor predisposition; Hereditary neoplastic syndrome. Identifiers: Orphanet 140162, MedGen C0027672, MeSH D009386, MONDO:0015356.

Submission:

Ambry Genetics
Classification: Uncertain significance for Hereditary cancer-predisposing syndrome. Last evaluated: 2025-01-25. Review status: criteria provided, single submitter. Criteria: Ambry Variant Classification Scheme 2023. Collection method: clinical testing. Allele origin: germline.
Comment: The p.K800R variant (also known as c.2399A>G), located in coding exon 15 of the SMARCA4 gene, results from an A to G substitution at nucleotide position 2399. The lysine at codon 800 is replaced by arginine, an amino acid with highly similar properties. This amino acid position is conserved. In addition, the in silico prediction for this alteration is inconclusive. Based on the available evidence, the clinical significance of this variant remains unclear.

NM_003072.5(SMARCA4):c.2399A>G (p.Lys800Arg)

Gene: SMARCA4 (SWI/SNF related BAF chromatin remodeling complex subunit ATPase 4; plus strand). Cytogenetic location: 19p13.2.
Variant type: single nucleotide variant.
Coding change: c.2399A>G on transcript NM_003072.5 (MANE Select); coding-DNA position 2399, A replaced by G.
Protein change: p.Lys800Arg; replaces lysine 800 with arginine.
Molecular consequence: missense variant. On other transcripts: non-coding transcript variant (1).
Genome position (GRCh38, 1-based): chr19:11,013,073, A>G. VCF-style: chr19-11013073-A-G. GRCh37 (hg19) VCF-style: chr19-11123749-A-G.
Other names: c.2399A>G, p.Lys800Arg (NM_001128844.3, NM_001128845.2, NM_001128846.2 and 6 more transcripts); short protein forms K800R.
Identifiers: ClinVar variation 3798909 (VCV003798909.1).